The following is an entry in ClinVar:

ClinVar aggregate classification (germline): Benign (1 of 4 stars; one submission).

Allele frequency attached by ClinVar (database versions not stated): gnomAD 0.17254 and 0.17781; TOPMed 0.18660; 1000 Genomes Project 0.18830; 1000 Genomes Project 30x 0.19316; gnomAD exomes 0.20187.
gnomAD v4.1: 69,610 of 362,058 alleles (19%); highest among the groups gnomAD compares: Admixed American, 40%; 8,789 homozygotes.

Submission:

GeneDx
Classification: Benign. Last evaluated: 2018-06-14. Review status: criteria provided, single submitter. Criteria: GeneDx Variant Classification (06012015). Collection method: clinical testing. Allele origin: germline. Affected: yes.
Comment: This variant is considered likely benign or benign based on one or more of the following criteria: it is a conservative change, it occurs at a poorly conserved position in the protein, it is predicted to be benign by multiple in silico algorithms, and/or has population frequency not consistent with disease.

NM_001098.3(ACO2):c.1761+313A>G

Gene: ACO2 (aconitase 2; plus strand). Cytogenetic location: 22q13.2.
Variant type: single nucleotide variant.
Coding change: c.1761+313A>G on transcript NM_001098.3 (MANE Select); 313 bases into the intron after coding-DNA position 1761, A replaced by G.
Molecular consequence: intron variant.
Genome position (GRCh38, 1-based): chr22:41,525,661, A>G. VCF-style: chr22-41525661-A-G. GRCh37 (hg19) VCF-style: chr22-41921665-A-G.
Identifiers: ClinVar variation 683142 (VCV000683142.1), dbSNP rs73178621, ClinGen allele CA14997417.